The following is an entry in ClinVar:

NM_007194.4(CHEK2):c.1542+1G>A

Gene: CHEK2 (checkpoint kinase 2; minus strand). Cytogenetic location: 22q12.1.
Variant type: single nucleotide variant.
Coding change: c.1542+1G>A on transcript NM_007194.4 (MANE Select); the canonical splice donor site of the intron after coding-DNA position 1542, G replaced by A.
Molecular consequence: splice donor variant.
Genome position (GRCh38, 1-based): chr22:28,689,134, C>T on the plus strand (G>A on the coding strand, the complement: CHEK2 is on the minus strand). VCF-style: chr22-28689134-C-T. GRCh37 (hg19) VCF-style: chr22-29085122-C-T.
Other names: c.879+1G>A (NM_001437942.1, NM_001257387.3); c.1341+1G>A (NM_001349956.3); c.1455+1G>A (NM_145862.3); c.1548+1G>A (NM_001438295.1); c.1635+1G>A (NM_001438293.1); c.1584+1G>A (NM_001438294.1); c.1671+1G>A (NM_001005735.3).
Identifiers: ClinVar variation 2034586 (VCV002034586.5), dbSNP rs2145747957, ClinGen allele CA411092289.
Genomic context (GRCh38, chr22:28,689,134, plus strand): 5'-TCTTTGCTTATCAGCTCCTTAAGCCCAGACTACATTTAGTGATCATCAGGAATACGAATA[C>T]CTGGGCTAGAACCTGGGGTAGAGCTGTGGATTCATTTTCCTCAGACAGAAGATCTTGAAA-3'

ClinVar aggregate classification (germline): Pathogenic/Likely pathogenic. Review status: criteria provided, multiple submitters, no conflicts (2 of 4 stars). 2 submissions from 2 submitters: Pathogenic (1); Likely pathogenic (1). Last evaluated 2022-10-07.

Conditions:
Familial cancer of breast. Also called: Hereditary breast cancer; hereditary breast carcinoma; BREAST CANCER, FAMILIAL. Identifiers: Orphanet 227535, MedGen C0346153, MONDO:0016419, OMIM 114480. Disease mechanism: loss of function.
CHEK2-related disorder.

Submissions (2):

Labcorp Genetics (formerly Invitae), Labcorp
Classification: Pathogenic for Familial cancer of breast. Last evaluated: 2022-10-07. Review status: criteria provided, single submitter. Criteria: Invitae Variant Classification Sherloc (09022015). Collection method: clinical testing. Allele origin: germline.
Comment: This variant disrupts a region of the CHEK2 protein in which other variant(s) (p.Arg519*) have been determined to be pathogenic (Invitae). This suggests that this is a clinically significant region of the protein, and that variants that disrupt it are likely to be disease-causing. For these reasons, this variant has been classified as Pathogenic. Variants that disrupt the consensus splice site are a relatively common cause of aberrant splicing (PMID: 17576681, 9536098). Algorithms developed to predict the effect of sequence changes on RNA splicing suggest that this variant may disrupt the consensus splice site. This variant has not been reported in the literature in individuals affected with CHEK2-related conditions. This variant is not present in population databases (gnomAD no frequency). This sequence change affects a donor splice site in intron 14 of the CHEK2 gene. While this variant is not anticipated to result in nonsense mediated decay, it likely alters RNA splicing and results in a disrupted protein product.

Blueprint Genetics
Classification: Likely pathogenic for CHEK2-related disorders. Last evaluated: 2021-04-08. Review status: criteria provided, single submitter. Criteria: ACMG Guidelines, 2015. Collection method: clinical testing. Allele origin: germline. Affected: yes. Observed: 1 variant allele.

Literature cited by the submitters: PubMed 17576681 (cited by Labcorp Genetics (formerly Invitae), Labcorp); PubMed 9536098 (cited by Labcorp Genetics (formerly Invitae), Labcorp).